The following is an entry in ClinVar:

NM_005732.4(RAD50):c.1199T>A (p.Val400Glu)

Gene: RAD50 (RAD50 double strand break repair protein; plus strand). Cytogenetic location: 5q31.1.
Variant type: single nucleotide variant.
Coding change: c.1199T>A on transcript NM_005732.4 (MANE Select); coding-DNA position 1199, T replaced by A.
Protein change: p.Val400Glu; replaces valine 400 with glutamic acid.
Molecular consequence: missense variant.
Genome position (GRCh38, 1-based): chr5:132,588,834, T>A. VCF-style: chr5-132588834-T-A. GRCh37 (hg19) VCF-style: chr5-131924526-T-A.
Other names: short protein forms V400E.
Identifiers: ClinVar variation 187535 (VCV000187535.15), dbSNP rs541543215, ClinGen allele CA197892.

ClinVar aggregate classification (germline): Uncertain significance. Review status: criteria provided, multiple submitters, no conflicts (2 of 4 stars). 2 submissions from 2 submitters: Uncertain significance (2). Last evaluated 2025-11-17.

Conditions:
Hereditary cancer-predisposing syndrome. Also called: Neoplastic Syndromes, Hereditary; Tumor predisposition; Hereditary Cancer Syndrome; Hereditary neoplastic syndrome. Identifiers: Orphanet 140162, MedGen C0027672, MeSH D009386, MONDO:0015356.

Allele frequency attached by ClinVar (database versions not stated): gnomAD exomes below 0.00001 and 0.00002; gnomAD 0.00001 and 0.00003; ExAC 0.00002; 1000 Genomes Project 30x 0.00031; 1000 Genomes Project 0.00040.
gnomAD v4.1: 12 of 1,613,978 alleles (0.00074%); highest among the groups gnomAD compares: East Asian, 0.02%; no homozygotes.

Submissions (2):

Ambry Genetics
Classification: Uncertain significance for Hereditary cancer-predisposing syndrome. Last evaluated: 2025-11-17. Review status: criteria provided, single submitter. Criteria: Ambry Variant Classification Scheme 2023. Collection method: clinical testing. Allele origin: germline.
Comment: The p.V400E variant (also known as c.1199T>A), located in coding exon 8 of the RAD50 gene, results from a T to A substitution at nucleotide position 1199. The valine at codon 400 is replaced by glutamic acid, an amino acid with dissimilar properties. This amino acid position is highly conserved in available vertebrate species. In addition, this alteration is predicted to be tolerated by in silico analysis. Since supporting evidence is limited at this time, the clinical significance of this alteration remains unclear.

Labcorp Genetics (formerly Invitae), Labcorp
Classification: Uncertain significance for Hereditary cancer-predisposing syndrome. Last evaluated: 2024-08-13. Review status: criteria provided, single submitter. Criteria: Invitae Variant Classification Sherloc (09022015). Collection method: clinical testing. Allele origin: germline.
Comment: This sequence change replaces valine, which is neutral and non-polar, with glutamic acid, which is acidic and polar, at codon 400 of the RAD50 protein (p.Val400Glu). This variant is present in population databases (rs541543215, gnomAD 0.03%). This variant has not been reported in the literature in individuals affected with RAD50-related conditions. ClinVar contains an entry for this variant (Variation ID: 187535). Advanced modeling of protein sequence and biophysical properties (such as structural, functional, and spatial information, amino acid conservation, physicochemical variation, residue mobility, and thermodynamic stability) performed at Invitae indicates that this missense variant is expected to disrupt RAD50 protein function with a positive predictive value of 80%. In summary, the available evidence is currently insufficient to determine the role of this variant in disease. Therefore, it has been classified as a Variant of Uncertain Significance.